The following is an entry in ClinVar:

ClinVar aggregate classification (germline): Likely pathogenic (1 of 4 stars; one submission).

Conditions:
DEPDC5-related disorder. Also called: DEPDC5-related condition; DEPDC5-related related disorder.

Submission:

PreventionGenetics, part of Exact Sciences
Classification: Likely pathogenic for DEPDC5-related condition. Last evaluated: 2025-02-10. Review status: criteria provided, single submitter. Criteria: ACMG Guidelines, 2015. Collection method: clinical testing. Allele origin: germline.
Comment: The DEPDC5 c.3645_3662delinsACCA variant is predicted to result in a frameshift and premature protein termination (p.Asn1216Profs*9). To our knowledge, this variant has not been reported in the literature or in a large population database (gnomAD), indicating it is rare. Frameshift variants in DEPDC5 are expected to be pathogenic. This variant is interpreted as likely pathogenic.

NM_001242896.3(DEPDC5):c.3645_3662delinsACCA (p.Asn1216fs)

Gene: DEPDC5 (DEP domain containing 5, GATOR1 subcomplex subunit; plus strand). Cytogenetic location: 22q12.3.
Variant type: Indel.
Coding change: c.3645_3662delinsACCA on transcript NM_001242896.3 (MANE Select); coding-DNA positions 3645 to 3662, GAACCACGTGGAGGGGAT replaced by ACCA.
Protein change: p.Asn1216fs; shifts the reading frame from asparagine 1216.
Molecular consequence: frameshift variant. On other transcripts: non-coding transcript variant (4).
Genome position (GRCh38, 1-based): chr22:31,874,354-31,874,371, GAACCACGTGGAGGGGAT replaced by ACCA. VCF-style: chr22-31874354-GAACCACGTGGAGGGGAT-ACCA. GRCh37 (hg19) VCF-style: chr22-32270340-GAACCACGTGGAGGGGAT-ACCA.
Other names: c.3618_3635delinsACCA, p.Asn1207fs (NM_001136029.4); c.3345_3362delinsACCA, p.Asn1116fs (NM_001242897.2); c.3579_3596delinsACCA, p.Asn1194fs (NM_001363852.2, NM_001364320.2); c.3411_3428delinsACCA, p.Asn1138fs (NM_001363854.2, NM_001364319.2); c.3645_3662delinsACCA, p.Asn1216fs (NM_001364318.2); c.3561_3578delinsACCA, p.Asn1188fs (NM_001369901.1, NM_001369902.1); c.3552_3569delinsACCA, p.Asn1185fs (NM_001369903.1, NM_014662.6); short protein forms N1138fs, N1194fs, N1207fs, N1185fs, N1188fs, N1116fs, N1216fs.
Identifiers: ClinVar variation 5001086 (VCV005001086.1).